The following is an entry in ClinVar:

ClinVar aggregate classification (germline): Uncertain significance. Review status: criteria provided, multiple submitters, no conflicts (2 of 4 stars). 2 submissions from 2 submitters: Uncertain significance (2). Last evaluated 2023-11-06.

Conditions:
Deficiency of adenosine deaminase 2. Also called: Polyarteritis nodosa, childhoood-onset; Adenosine Deaminase 2 Deficiency; VASCULITIS, AUTOINFLAMMATION, IMMUNODEFICIENCY, AND HEMATOLOGIC DEFECTS SYNDROME. Identifiers: Orphanet 404553, MedGen C3887654, MONDO:0014306, OMIM 615688, MONDO:0100317.

Submissions (2):

St. Jude Molecular Pathology, St. Jude Children's Research Hospital
Classification: Uncertain significance for Deficiency of adenosine deaminase 2. Last evaluated: 2023-11-06. Review status: criteria provided, single submitter. Criteria: St. Jude Assertion Criteria 2020. Collection method: clinical testing. Allele origin: germline.
Comment: The ADA2 c.264G>T (p.Gln88His) missense change is absent in gnomAD v2.1.1. The in silico tool REVEL predicts a benign effect on protein function, but to our knowledge this prediction has not been confirmed by functional studies. To our knowledge, this variant has not been reported in the literature in individuals with ADA2-associated clinical phenotypes. In summary, the evidence currently available is insufficient to determine the clinical significance of this variant. It has therefore been classified as of uncertain significance.

Labcorp Genetics (formerly Invitae), Labcorp
Classification: Uncertain significance for Deficiency of adenosine deaminase 2. Last evaluated: 2021-02-21. Review status: criteria provided, single submitter. Criteria: Invitae Variant Classification Sherloc (09022015). Collection method: clinical testing. Allele origin: germline.
Comment: In summary, the available evidence is currently insufficient to determine the role of this variant in disease. Therefore, it has been classified as a Variant of Uncertain Significance. Algorithms developed to predict the effect of missense changes on protein structure and function (SIFT, PolyPhen-2, Align-GVGD) all suggest that this variant is likely to be tolerated, but these predictions have not been confirmed by published functional studies and their clinical significance is uncertain. This variant has not been reported in the literature in individuals with ADA2-related conditions. This sequence change replaces glutamine with histidine at codon 88 of the ADA2 protein (p.Gln88His). The glutamine residue is moderately conserved and there is a small physicochemical difference between glutamine and histidine. This variant is not present in population databases (ExAC no frequency).

NM_001282225.2(ADA2):c.264G>T (p.Gln88His)

Gene: ADA2 (adenosine deaminase 2; minus strand). Cytogenetic location: 22q11.1.
Variant type: single nucleotide variant.
Coding change: c.264G>T on transcript NM_001282225.2 (MANE Select); coding-DNA position 264, G replaced by T.
Protein change: p.Gln88His; replaces glutamine 88 with histidine.
Molecular consequence: missense variant. On other transcripts: intron variant (1).
Genome position (GRCh38, 1-based): chr22:17,209,414, C>A on the plus strand (G>T on the coding strand, the complement: ADA2 is on the minus strand). VCF-style: chr22-17209414-C-A. GRCh37 (hg19) VCF-style: chr22-17690304-C-A.
Other names: c.264G>T, p.Gln88His (NM_001282226.2); c.138G>T, p.Gln46His (NM_001282227.2, NM_001282228.2); c.-38-2124G>T (NM_001282229.2); short protein forms Q88H, Q46H.
Identifiers: ClinVar variation 1444311 (VCV001444311.11), dbSNP rs2123715335, ClinGen allele CA410230274.